The following is an entry in ClinVar:

NM_000088.4(COL1A1):c.3134del (p.Pro1045fs)

Gene: COL1A1 (collagen type I alpha 1 chain; minus strand). Cytogenetic location: 17q21.33.
Variant type: Deletion.
Coding change: c.3134del on transcript NM_000088.4 (MANE Select); coding-DNA position 3134, one base deleted (C; older notation c.3134delC).
Protein change: p.Pro1045fs; shifts the reading frame from proline 1045.
Molecular consequence: frameshift variant.
Genome position (GRCh38, 1-based): chr17:50,188,603, G deleted on the plus strand (C on the coding strand, the reverse complement: COL1A1 is on the minus strand); the first of 5 consecutive G bases (chr17:50,188,603-50,188,607); deleting any one gives the same sequence. VCF-style (leftmost placement, unchanged base first): chr17-50188602-AG-A. GRCh37 (hg19) VCF-style: chr17-48265963-AG-A.
Other names: short protein forms P1045fs.
Identifiers: ClinVar variation 4731131 (VCV004731131.1).

ClinVar aggregate classification (germline): Pathogenic (1 of 4 stars; one submission).

Conditions:
Osteogenesis imperfecta type I (OI1). Also called: Osteogenesis imperfecta type 1; Lobstein's Disease; OI, TYPE I; OSTEOGENESIS IMPERFECTA TARDA; OSTEOGENESIS IMPERFECTA WITH BLUE SCLERAE; Lobstein disease. Identifiers: Orphanet 216796, Orphanet 666, MedGen C0023931, MONDO:0008146, OMIM 166200. Disease mechanism: loss of function.

Submission:

Labcorp Genetics (formerly Invitae), Labcorp
Classification: Pathogenic for Osteogenesis imperfecta type I. Last evaluated: 2025-12-24. Review status: criteria provided, single submitter. Criteria: Invitae Variant Classification Sherloc (09022015). Collection method: clinical testing. Allele origin: germline.
Comment: This sequence change creates a premature translational stop signal (p.Pro1045Leufs*63) in the COL1A1 gene. It is expected to result in an absent or disrupted protein product. Loss-of-function variants in COL1A1 are known to be pathogenic (PMID: 7942841, 9295084, 9443882). This variant is not present in population databases (gnomAD no frequency). This variant has not been reported in the literature in individuals affected with COL1A1-related conditions. For these reasons, this variant has been classified as Pathogenic.

Literature cited by the submitters: PubMed 7942841; PubMed 9295084; PubMed 9443882.